The following is an entry in ClinVar:

NM_052947.4(ALPK2):c.2047T>C (p.Phe683Leu)

Gene: ALPK2 (alpha kinase 2; minus strand). Cytogenetic location: 18q21.31.
Variant type: single nucleotide variant.
Coding change: c.2047T>C on transcript NM_052947.4 (MANE Select); coding-DNA position 2047, T replaced by C.
Protein change: p.Phe683Leu; replaces phenylalanine 683 with leucine.
Molecular consequence: missense variant.
Genome position (GRCh38, 1-based): chr18:58,538,140, A>G on the plus strand (T>C on the coding strand, the complement: ALPK2 is on the minus strand). VCF-style: chr18-58538140-A-G. GRCh37 (hg19) VCF-style: chr18-56205372-A-G.
Other names: short protein forms F683L.
Identifiers: ClinVar variation 3228606 (VCV003228606.1), dbSNP rs544467791, ClinGen allele CA300927802.

ClinVar aggregate classification (germline): Uncertain significance (1 of 4 stars; one submission).

Allele frequency attached by ClinVar (database versions not stated): gnomAD exomes 0.00001.
gnomAD v4.1: 4 of 1,614,006 alleles (0.00025%); highest among the groups gnomAD compares: Non-Finnish European, 0.00034%; no homozygotes.

Submission:

Ambry Genetics
Classification: Uncertain significance. Last evaluated: 2024-02-23. Review status: criteria provided, single submitter. Criteria: Ambry Variant Classification Scheme 2023. Collection method: clinical testing. Allele origin: germline.
Comment: The p.F683L variant (also known as c.2047T>C), located in coding exon 4 of the ALPK2 gene, results from a T to C substitution at nucleotide position 2047. The phenylalanine at codon 683 is replaced by leucine, an amino acid with highly similar properties. This amino acid position is conserved. In addition, this alteration is predicted to be tolerated by in silico analysis. Based on the available evidence, the clinical significance of this alteration remains unclear.